The following is an entry in ClinVar:

NM_001673.5(ASNS):c.1041_1044del (p.Leu347fs)

Genes: ASNS (asparagine synthetase (glutamine-hydrolyzing); minus strand), CZ1P-ASNS (CZ1P-ASNS readthrough; minus strand). Cytogenetic location: 7q21.3.
Variant type: Deletion.
Coding change: c.1041_1044del on transcript NM_001673.5 (MANE Select); coding-DNA positions 1041 to 1044, 4 bases deleted (AATT; older notation c.1041_1044delAATT).
Protein change: p.Leu347fs; shifts the reading frame from leucine 347.
Molecular consequence: frameshift variant. On other transcripts: non-coding transcript variant (1).
Genome position (GRCh38, 1-based): chr7:97,855,446-97,855,449, AATT deleted on the plus strand (AATT on the coding strand, the reverse complement: ASNS is on the minus strand); deleting any 4 consecutive bases within chr7:97,855,446-97,855,451 gives the same sequence; the c. name uses the placement nearest the transcript's 3' end. VCF-style (leftmost placement, unchanged base first): chr7-97855445-AAATT-A. GRCh37 (hg19) VCF-style: chr7-97484757-AAATT-A.
Other names: c.978_981del, p.Leu326fs (NM_001178075.2); c.792_795del, p.Leu264fs (NM_001178076.2, NM_001178077.1); c.1041_1044del, p.Leu347fs (NM_001352496.2, NM_133436.3, NM_183356.4); c.1041_1044delAATT (NM_133436.3); short protein forms L264fs, L347fs, L326fs.
Identifiers: ClinVar variation 4733527 (VCV004733527.2).

ClinVar aggregate classification (germline): Pathogenic/Likely pathogenic. Review status: criteria provided, multiple submitters, no conflicts (2 of 4 stars). 2 submissions from 2 submitters: Pathogenic (1); Likely pathogenic (1). Last evaluated 2025-12-17.

Conditions:
ASNS-related disorder. Also called: ASNS-related condition.

Submissions (2):

Labcorp Genetics (formerly Invitae), Labcorp
Classification: Pathogenic. Last evaluated: 2025-12-17. Review status: criteria provided, single submitter. Criteria: Invitae Variant Classification Sherloc (09022015). Collection method: clinical testing. Allele origin: germline.
Comment: This sequence change creates a premature translational stop signal (p.Leu347Phefs*13) in the ASNS gene. It is expected to result in an absent or disrupted protein product. Loss-of-function variants in ASNS are known to be pathogenic (PMID: 27422383, 30057589). This variant is not present in population databases (gnomAD no frequency). This variant has not been reported in the literature in individuals affected with ASNS-related conditions. For these reasons, this variant has been classified as Pathogenic.

PreventionGenetics, part of Exact Sciences
Classification: Likely pathogenic for ASNS-related condition. Last evaluated: 2025-08-21. Review status: criteria provided, single submitter. Criteria: ACMG Guidelines, 2015. Collection method: clinical testing. Allele origin: germline.
Comment: The ASNS c.1041_1044delAATT variant is predicted to result in a frameshift and premature protein termination (p.Leu347Phefs*13). To our knowledge, this variant has not been reported in the literature or in a large population database (gnomAD), indicating this variant is rare. Frameshift variants in ASNS are expected to be pathogenic. This variant is interpreted as likely pathogenic.

Literature cited by the submitters: PubMed 27422383 (cited by Labcorp Genetics (formerly Invitae), Labcorp); PubMed 30057589 (cited by Labcorp Genetics (formerly Invitae), Labcorp).